The following is an entry in ClinVar:

NM_001792.5(CDH2):c.2707G>A (p.Gly903Arg)

Genes: CDH2 (cadherin 2; minus strand), CDH2-AS1 (CDH2 antisense RNA 1; plus strand). Cytogenetic location: 18q12.1.
Variant type: single nucleotide variant.
Coding change: c.2707G>A on transcript NM_001792.5 (MANE Select); coding-DNA position 2707, G replaced by A.
Protein change: p.Gly903Arg; replaces glycine 903 with arginine.
Molecular consequence: missense variant.
Genome position (GRCh38, 1-based): chr18:27,952,167, C>T on the plus strand (G>A on the coding strand, the complement: CDH2 is on the minus strand). VCF-style: chr18-27952167-C-T. GRCh37 (hg19) VCF-style: chr18-25532131-C-T.
Other names: c.2614G>A, p.Gly872Arg (NM_001308176.2); short protein forms G872R, G903R.
Identifiers: ClinVar variation 2802761 (VCV002802761.3), dbSNP rs2510768284, ClinGen allele CA402100870.

ClinVar aggregate classification (germline): Uncertain significance (1 of 4 stars; one submission).

Allele frequency attached by ClinVar (database versions not stated): gnomAD exomes below 0.00001.
gnomAD v4.1: 1 of 1,613,438 alleles (0.000062%); highest among the groups gnomAD compares: South Asian, 0.0011%; no homozygotes.

Submission:

Labcorp Genetics (formerly Invitae), Labcorp
Classification: Uncertain significance. Last evaluated: 2023-02-06. Review status: criteria provided, single submitter. Criteria: Invitae Variant Classification Sherloc (09022015). Collection method: clinical testing. Allele origin: germline.
Comment: In summary, the available evidence is currently insufficient to determine the role of this variant in disease. Therefore, it has been classified as a Variant of Uncertain Significance. Algorithms developed to predict the effect of missense changes on protein structure and function (SIFT, PolyPhen-2, Align-GVGD) all suggest that this variant is likely to be disruptive. This variant has not been reported in the literature in individuals affected with CDH2-related conditions. This variant is not present in population databases (gnomAD no frequency). This sequence change replaces glycine, which is neutral and non-polar, with arginine, which is basic and polar, at codon 903 of the CDH2 protein (p.Gly903Arg).